The following is an entry in ClinVar:

ClinVar aggregate classification (germline): Uncertain significance (1 of 4 stars; one submission).

Conditions:
Dyskeratosis congenita, autosomal dominant 2. Identifiers: MedGen C3151443, MONDO:0013521, OMIM 613989.
Idiopathic Pulmonary Fibrosis. Also called: Idiopathic fibrosing alveolitis, chronic form; idiopathic fibrosing alveolitis. Identifiers: Orphanet 2032, MedGen C1800706, MeSH D054990, MONDO:0800504.

Submission:

Labcorp Genetics (formerly Invitae), Labcorp
Classification: Uncertain significance for Dyskeratosis congenita, autosomal dominant 2; Idiopathic Pulmonary Fibrosis. Last evaluated: 2022-06-09. Review status: criteria provided, single submitter. Criteria: Invitae Variant Classification Sherloc (09022015). Collection method: clinical testing. Allele origin: germline.
Comment: In summary, the available evidence is currently insufficient to determine the role of this variant in disease. Therefore, it has been classified as a Variant of Uncertain Significance. Advanced modeling of protein sequence and biophysical properties (such as structural, functional, and spatial information, amino acid conservation, physicochemical variation, residue mobility, and thermodynamic stability) performed at Invitae indicates that this missense variant is expected to disrupt TERT protein function. ClinVar contains an entry for this variant (Variation ID: 938879). This variant has not been reported in the literature in individuals affected with TERT-related conditions. This variant is not present in population databases (gnomAD no frequency). This sequence change replaces glycine, which is neutral and non-polar, with arginine, which is basic and polar, at codon 42 of the TERT protein (p.Gly42Arg).

NM_198253.3(TERT):c.124G>A (p.Gly42Arg)

Genes: TERT (telomerase reverse transcriptase; minus strand), LOC110806263 (TERT 5' regulatory region; plus strand). Cytogenetic location: 5p15.33.
Variant type: single nucleotide variant.
Coding change: c.124G>A on transcript NM_198253.3 (MANE Select); coding-DNA position 124, G replaced by A.
Protein change: p.Gly42Arg; replaces glycine 42 with arginine.
Molecular consequence: missense variant. On other transcripts: non-coding transcript variant (2).
Genome position (GRCh38, 1-based): chr5:1,294,866, C>T on the plus strand (G>A on the coding strand, the complement: TERT is on the minus strand). VCF-style: chr5-1294866-C-T. GRCh37 (hg19) VCF-style: chr5-1294981-C-T.
Other names: c.124G>A, p.Gly42Arg (NM_001193376.3); short protein forms G42R.
Identifiers: ClinVar variation 938879 (VCV000938879.10), dbSNP rs1751293669, ClinGen allele CA359059186.
Genomic context (GRCh38, chr5:1,294,866, plus strand): 5'-CGTCCCAGGGCACGCACACCAGGCACTGGGCCACCAGCGCGCGGAAAGCCGCCGGGTCCC[C>T]GCGCTGCACCAGCCGCCAGCCCTGGGGCCCCAGGCGCCGCACGAACGTGGCCAGCGGCAG-3'
Protein context (NP_937983.2, residues 32-52): GPQGWRLVQR[Gly42Arg]DPAAFRALVA